The following is an entry in ClinVar:

NM_001379180.1(ESRRB):c.460+4C>T

Gene: ESRRB (estrogen related receptor beta; plus strand). Cytogenetic location: 14q24.3.
Variant type: single nucleotide variant.
Coding change: c.460+4C>T on transcript NM_001379180.1 (MANE Select); 4 bases into the intron after coding-DNA position 460, C replaced by T.
Molecular consequence: intron variant.
Genome position (GRCh38, 1-based): chr14:76,439,754, C>T. VCF-style: chr14-76439754-C-T. GRCh37 (hg19) VCF-style: chr14-76906097-C-T.
Other names: c.397+4C>T (NM_004452.4).
Identifiers: ClinVar variation 163419 (VCV000163419.4), dbSNP rs727503040, ClinGen allele CA176059.

ClinVar aggregate classification (germline): Likely benign (1 of 4 stars; one submission).

Allele frequency attached by ClinVar (database versions not stated): ExAC 0.00001; gnomAD exomes 0.00002 and 0.00004; TOPMed 0.00003.

Submission:

Laboratory for Molecular Medicine, Mass General Brigham Personalized Medicine
Classification: Likely benign. Last evaluated: 2013-09-07. Review status: criteria provided, single submitter. Criteria: LMM Criteria. Collection method: clinical testing. Allele origin: germline. Observed: 1 variant allele.
Comment: 397+4C>T in Intron 4 of ESRRB: This variant is not expected to have clinical sig nificance due to low conservation of this nucleotide across species, including m ammals, with marmoset and tree shrew having a thymine (T) at this nucleotide pos ition. In addition, although position +4 is part of the splice site region, the reference sequence was already divergent from consensus (normally an A at this p osition) and splice prediction tools do not suggest an impact to splicing, thus it is unlikely to disrupt splicing.